The following is an entry in ClinVar:

NM_032888.4(COL27A1):c.3914C>T (p.Pro1305Leu)

Gene: COL27A1 (collagen type XXVII alpha 1 chain; plus strand). Cytogenetic location: 9q32.
Variant type: single nucleotide variant.
Coding change: c.3914C>T on transcript NM_032888.4 (MANE Select); coding-DNA position 3914, C replaced by T.
Protein change: p.Pro1305Leu; replaces proline 1305 with leucine.
Molecular consequence: missense variant.
Genome position (GRCh38, 1-based): chr9:114,283,743, C>T. VCF-style: chr9-114283743-C-T. GRCh37 (hg19) VCF-style: chr9-117046023-C-T.
Other names: short protein forms P1305L.
Identifiers: ClinVar variation 1412229 (VCV001412229.5), dbSNP rs536227229, ClinGen allele CA5202668.
Genomic context (GRCh38, chr9:114,283,743, plus strand): 5'-CCAACGAGGGTCTCCTCCTCTTGTAGGGTGCTCCGGGACGCATGGGGGCCCAAGGAGAAC[C>T]GGGACTGGCTGGTTATGATGTAAGCAGATATCACCTCACCCCACCCCCCGACTCTGTCCT-3'
Protein context (NP_116277.2, residues 1295-1315): APGRMGAQGE[Pro1305Leu]GLAGYDGHKG

ClinVar aggregate classification (germline): Uncertain significance (1 of 4 stars; one submission).

Allele frequency attached by ClinVar (database versions not stated): gnomAD 0.00001 and 0.00002; ExAC 0.00002; gnomAD exomes 0.00003; TOPMed 0.00005; 1000 Genomes Project 30x 0.00016; 1000 Genomes Project 0.00020.
gnomAD v4.1: 32 of 1,614,066 alleles (0.002%); highest among the groups gnomAD compares: Middle Eastern, 0.016%; no homozygotes.

Submission:

Labcorp Genetics (formerly Invitae), Labcorp
Classification: Uncertain significance. Last evaluated: 2022-09-06. Review status: criteria provided, single submitter. Criteria: Invitae Variant Classification Sherloc (09022015). Collection method: clinical testing. Allele origin: germline.
Comment: This sequence change replaces proline, which is neutral and non-polar, with leucine, which is neutral and non-polar, at codon 1305 of the COL27A1 protein (p.Pro1305Leu). This variant is present in population databases (rs536227229, gnomAD 0.007%). This variant has not been reported in the literature in individuals affected with COL27A1-related conditions. ClinVar contains an entry for this variant (Variation ID: 1412229). Advanced modeling of protein sequence and biophysical properties (such as structural, functional, and spatial information, amino acid conservation, physicochemical variation, residue mobility, and thermodynamic stability) performed at Invitae indicates that this missense variant is not expected to disrupt COL27A1 protein function. In summary, the available evidence is currently insufficient to determine the role of this variant in disease. Therefore, it has been classified as a Variant of Uncertain Significance.